The following is an entry in ClinVar:

ClinVar aggregate classification (germline): Uncertain significance (1 of 4 stars; one submission).

Conditions:
Diamond-Blackfan anemia. Also called: Blackfan Diamond syndrome; Aregenerative anemia chronic congenital; Red cell aplasia, pure hereditary; Congenital hypoplastic anemia; Aase syndrome. Identifiers: Orphanet 124, MedGen C1260899, MeSH D029503, MONDO:0015253, HP:0004810.
GATA binding protein 1 related thrombocytopenia with dyserythropoiesis. Also called: GATA1-Related Cytopenia; GATA1-Related X-Linked Cytopenia. Identifiers: MedGen C1845837, MONDO:0100089.

Submission:

Labcorp Genetics (formerly Invitae), Labcorp
Classification: Uncertain significance for GATA binding protein 1 related thrombocytopenia with dyserythropoiesis; Diamond-Blackfan anemia. Last evaluated: 2025-07-09. Review status: criteria provided, single submitter. Criteria: Invitae Variant Classification Sherloc (09022015). Collection method: clinical testing. Allele origin: germline.
Comment: This sequence change replaces proline, which is neutral and non-polar, with leucine, which is neutral and non-polar, at codon 244 of the GATA1 protein (p.Pro244Leu). This variant is not present in population databases (gnomAD no frequency). This variant has not been reported in the literature in individuals affected with GATA1-related conditions. Invitae Evidence Modeling of protein sequence and biophysical properties (such as structural, functional, and spatial information, amino acid conservation, physicochemical variation, residue mobility, and thermodynamic stability) has been performed for this missense variant. However, the output from this modeling did not meet the statistical confidence thresholds required to predict the impact of this variant on GATA1 protein function. In summary, the available evidence is currently insufficient to determine the role of this variant in disease. Therefore, it has been classified as a Variant of Uncertain Significance.

NM_002049.4(GATA1):c.731C>T (p.Pro244Leu)

Gene: GATA1 (GATA binding protein 1; plus strand). Cytogenetic location: Xp11.23.
Variant type: single nucleotide variant.
Coding change: c.731C>T on transcript NM_002049.4 (MANE Select); coding-DNA position 731, C replaced by T.
Protein change: p.Pro244Leu; replaces proline 244 with leucine.
Molecular consequence: missense variant.
Genome position (GRCh38, 1-based): chrX:48,792,455, C>T. VCF-style: chrX-48792455-C-T. GRCh37 (hg19) VCF-style: chrX-48650862-C-T.
Other names: short protein forms P244L.
Identifiers: ClinVar variation 4783756 (VCV004783756.1).